The following continues an entry in ClinVar:

NM_000038.6(APC):c.3183_3187del (p.Lys1061_Gln1062insTer)

Gene: APC. ClinVar aggregate classification (germline): Pathogenic. Pathogenic (32).

Submissions 10 to 26 of 37:

Blueprint Genetics
Classification: Pathogenic for APC-related disorders. Last evaluated: 2024-11-13. Review status: criteria provided, single submitter. Criteria: ACMG Guidelines, 2015. Collection method: clinical testing. Allele origin: germline. Affected: yes. Observed: 2 variant alleles.

Institute for Genomic Medicine (IGM) Clinical Laboratory, Nationwide Children's Hospital
Classification: Pathogenic for Familial adenomatous polyposis 1. Last evaluated: 2024-07-14. Review status: criteria provided, single submitter. Criteria: ACMG Guidelines, 2015. Collection method: clinical testing. Allele origin: germline.
Comment: This variant is predicted to result in loss of function through nonsense-mediated decay of the encoded transcript or premature truncation of the encoded protein in a gene in which loss of function is a known mechanism of disease (ACMG/AMP: PVS1). This variant has been reported to occur de novo in an affected individual in the literature with parental identity confirmed (ACMG/AMP: PS2; PMID:8381579). This variant has been reported at an elevated frequency in affected individuals/in multiple affected individuals in the literature (ACMG/AMP: PS4; PMIDs:1316610, 8381579, 8162022, 16088911, 20649969, 15771908). This variant is absent from or present at an exceedingly low frequency in gnomAD, a large-scale control population database (ACMG/AMP: PM2). This variant has been shown to segregate with disease in multiple affected family members (ACMG/AMP: PP1; PMIDs:8381579, 8162022).

Color Diagnostics, LLC DBA Color Health
Classification: Pathogenic for Hereditary cancer-predisposing syndrome. Last evaluated: 2024-02-05. Review status: criteria provided, single submitter. Criteria: ACMG Guidelines, 2015. Collection method: clinical testing. Allele origin: germline.
Comment: This variant deletes 5 nucleotides in exon 16 of the APC gene, creating a frameshift and premature translation stop signal in the last coding exon. This variant is predicted to escape nonsense-mediated decay and be expressed as a truncated protein. Although functional studies have not been reported, this variant is expected to disrupt several important functional domains including the beta-catenin binding domain, SAMP-repeats, basic domain, and the EB1 and HDLG domains (PMID: 11257105). This variant has been observed in numerous individuals and families affected with familial adenomatous polyposis (PMID: 8162022, 1316610), and described as a common variant in multiple populations (PMID: 8162022, 15771908). This variant has been identified in 1/250490 chromosomes in the general population by the Genome Aggregation Database (gnomAD). Loss of APC function is a known mechanism of disease. Based on the available evidence, this variant is classified as Pathogenic.

Molecular Pathology, Peter Maccallum Cancer Centre
Classification: Pathogenic for Familial adenomatous polyposis 1. Last evaluated: 2024-01-31. Review status: criteria provided, single submitter. Criteria: ACMG Guidelines, 2015. Collection method: clinical testing. Allele origin: germline. Inheritance: Autosomal dominant inheritance.

Revvity Omics, Revvity
Classification: Pathogenic. Last evaluated: 2023-12-01. Review status: criteria provided, single submitter. Criteria: ACMG Guidelines, 2015. Collection method: clinical testing. Allele origin: germline.

KCCC/NGS Laboratory, Kuwait Cancer Control Center
Classification: Pathogenic for Familial adenomatous polyposis 1. Last evaluated: 2023-07-07. Review status: criteria provided, single submitter. Criteria: ACMG Guidelines, 2015. Collection method: clinical testing. Allele origin: unknown. Affected: yes.
Comment: This sequence change results in a premature translational stop signal in the APC gene (p.Gln1062*). This variant has been observed in several individuals affected with familial adenomatous polyposis (PMID: 1316610, 8162022, 15771908). ClinVar contains an entry for this variant (Variation ID: 88913) with 21 submissions all of which describe this variant as pathogenic. A different truncation (p.Tyr2645Lysfs*14) that lies downstream of this variant has been determined to be pathogenic (PMID: 9824584, 1316610, 27081525, 8381579, 22135120). Therefore, this variant has been classified as pathogenic.

Baylor Genetics
Classification: Pathogenic for Familial adenomatous polyposis 1. Last evaluated: 2023-07-03. Review status: criteria provided, single submitter. Criteria: ACMG Guidelines, 2015. Collection method: clinical testing. Allele origin: unknown.

Division of Human Genetics, National Health Laboratory Service/University of the Witwatersrand
Classification: Pathogenic for Familial adenomatous polyposis 1. Last evaluated: 2023-07-01. Review status: criteria provided, single submitter. Criteria: ACMG Guidelines, 2015. Collection method: research. Allele origin: germline. Affected: yes.

All of Us Research Program, National Institutes of Health
Classification: Pathogenic for Classic or attenuated familial adenomatous polyposis. Last evaluated: 2023-06-15. Review status: criteria provided, single submitter. Criteria: ACMG Guidelines, 2015. Collection method: clinical testing. Allele origin: germline. Inheritance: Autosomal dominant inheritance. Observed: 1 variant allele, 1 heterozygote.
Comment: This variant creates a premature termination codon in the last exon. The transcribed mRNA is predicted to escape nonsense mediated decay and result in protein truncation. This prediction has not been confirmed by functional studies. This variant has been reported in multiple individuals with familial adenomatous polyposis (PMID: 9101302, 9375853, 9703421, 11677205, 23159591). This variant is absent from or rare in large population databases, including the Genome Aggregation Database.

This study involves interpretation of variants in research participants for the purpose of population health screening. Participant phenotype was not available at the time of variant classification. Additional details can be found in publication PMID: 35346344, PMCID: PMC8962531

Quest Diagnostics Nichols Institute San Juan Capistrano
Classification: Pathogenic. Last evaluated: 2023-05-24. Review status: criteria provided, single submitter. Criteria: Quest Diagnostics criteria. Collection method: clinical testing. Allele origin: unknown.
Comment: The APC c.3183_3187del (p.Gln1062*) variant causes the premature termination of APC protein synthesis. This variant has been reported in the published literature in affected individuals with familial adenomatous polyposis (FAP) (PMIDs: 1316610 (1992), 8381579 (1993), 23159591 (2013), 26446593 (2016), 26625971 (2016), and 35189564 (2022)), medulloblastoma (PMIDs: 29351919 (2018), 29753700 (2018), and 31504825 (2020)), papillary thyroid carcinoma (PMID: 31469036 (2019), and breast and/or ovarian cancer (PMID: 31159747 (2019)). This variant was also reported to segregate with disease and occurred as de novo in unrelated patients (PMID: 8381579 (1993)). The frequency of this variant in the general population, 0.0000089 (1/112982 chromosomes (Genome Aggregation Database)), is consistent with pathogenicity. Based on the available information, this variant is classified as pathogenic.

Myriad Genetics, Inc.
Classification: Pathogenic for Familial adenomatous polyposis 1. Last evaluated: 2023-02-22. Review status: criteria provided, single submitter. Criteria: Myriad Autosomal Dominant, Autosomal Recessive and X-Linked Classification Criteria (2023). Collection method: clinical testing. Allele origin: unknown.
Comment: This variant is considered pathogenic. This variant creates a termination codon and is predicted to result in premature protein truncation.

GeneDx
Classification: Pathogenic. Last evaluated: 2022-04-13. Review status: criteria provided, single submitter. Criteria: GeneDx Variant Classification Process June 2021. Collection method: clinical testing. Allele origin: germline. Affected: yes.
Comment: Nonsense variant predicted to result in protein truncation in a gene for which loss-of-function is a known mechanism of disease; Not observed at a significant frequency in large population cohorts (gnomAD); This variant is associated with the following publications: (PMID: 15024739, 1316610, 11106555, 20649969, 15951557, 8162051, 19029688, 20007843, 25248397, 28127413, 27143045, 30897307, 19531215, 31469036, 16088911, 11748858, 11933206, 9375853, 8381581, 10083733, 10363573, 12007223, 10646887, 9950360, 7833931, 8395941, 8730280, 8381579, 8544194, 8162022, 20223039, 8990002, 18433509, 14961559, 20333795, 26625971, 25832318, 28533537, 28331559, 28135145, 26840078, 28975465, 29351919, 22692730, 29753700, 31069152, 30720243, 31159747, 27000756, 26446593, 20924072, 16134147, 31504825, 31598872, 18629513)

Institute of Medical Genetics and Applied Genomics, University Hospital Tübingen
Classification: Pathogenic. Last evaluated: 2020-10-23. Review status: criteria provided, single submitter. Criteria: ACMG Guidelines, 2015. Collection method: clinical testing. Allele origin: germline. Inheritance: Autosomal dominant inheritance. Affected: yes.

Mayo Clinic Laboratories, Mayo Clinic
Classification: Pathogenic. Last evaluated: 2020-07-29. Review status: criteria provided, single submitter. Criteria: ACMG Guidelines, 2015. Collection method: clinical testing. Allele origin: germline. Observed: 3 variant alleles.
Comment: PVS1, PS4_Mod, PP4

Department of Molecular Diagnostics, Institute of Oncology Ljubljana
Classification: Pathogenic for Familial adenomatous polyposis 1. Last evaluated: 2020-04-02. Review status: criteria provided, single submitter. Criteria: ACMG Guidelines, 2015. Collection method: clinical testing. Allele origin: germline. Affected: yes.

GeneKor MSA
Classification: Pathogenic. Last evaluated: 2020-01-01. Review status: criteria provided, single submitter. Criteria: ACMG Guidelines, 2015. Collection method: clinical testing. Allele origin: germline. Affected: no.
Comment: This variation is a deletion of five nucleotides at position 1062 of the APC protein, resulting in the formation of new stop codon. Thus, a premature protein. This results in premature termination of protein synthesis and inactivation of one allele. This particular mutation has been described in international literature in patients with Familial adenomatous polyposis (PMID: 1316610, PMID: 8162022, PMID: 15771908). This mutation has been described in the mutation database ClinVar (Variation ID: 55683).

Women's Health and Genetics/Laboratory Corporation of America, LabCorp
Classification: Pathogenic for Familial adenomatous polyposis. Last evaluated: 2019-10-28. Review status: criteria provided, single submitter. Criteria: LabCorp Variant Classification Summary - May 2015. Collection method: clinical testing. Allele origin: germline.
Comment: Variant summary: APC c.3183_3187delACAAA (p.Gln1062X) results in a premature termination codon, predicted to cause a truncation of the encoded protein or absence of the protein due to nonsense mediated decay, which are commonly known mechanisms for disease. The variant allele was found at a frequency of 4e-06 in 250490 control chromosomes (gnomAD). c.3183_3187delACAAA has been reported in the literature in multiple individuals affected with Familial Adenomatous Polyposis and colorectal cancer (Inra_2015, Miyoshi_1992, Papp_2016). These data indicate that the variant is very likely to be associated with disease. 11 ClinVar submitters (evaluation after 2014) cite the variant as pathogenic. Based on the evidence outlined above, the variant was classified as pathogenic.